The following is an entry in ClinVar:

NM_005902.4(SMAD3):c.734G>A (p.Gly245Glu)

Gene: SMAD3 (SMAD family member 3; plus strand). Cytogenetic location: 15q22.33.
Variant type: single nucleotide variant.
Coding change: c.734G>A on transcript NM_005902.4 (MANE Select); coding-DNA position 734, G replaced by A.
Protein change: p.Gly245Glu; replaces glycine 245 with glutamic acid.
Molecular consequence: missense variant.
Genome position (GRCh38, 1-based): chr15:67,181,316, G>A. VCF-style: chr15-67181316-G-A. GRCh37 (hg19) VCF-style: chr15-67473654-G-A.
Other names: c.419G>A, p.Gly140Glu (NM_001145102.2); c.602G>A, p.Gly201Glu (NM_001145103.2); c.149G>A, p.Gly50Glu (NM_001145104.2); short protein forms G201E, G245E, G50E, G140E.
Identifiers: ClinVar variation 955549 (VCV000955549.8), dbSNP rs1963047822, ClinGen allele CA392956095.

ClinVar aggregate classification (germline): Uncertain significance (1 of 4 stars; one submission).

Conditions:
Familial thoracic aortic aneurysm and aortic dissection (TAAD). Also called: Thoracic aortic aneurysms and dissections. Identifiers: Orphanet 91387, MedGen C4707243, MONDO:0019625.

Submission:

Labcorp Genetics (formerly Invitae), Labcorp
Classification: Uncertain significance for Familial thoracic aortic aneurysm and aortic dissection. Last evaluated: 2024-02-24. Review status: criteria provided, single submitter. Criteria: Invitae Variant Classification Sherloc (09022015). Collection method: clinical testing. Allele origin: germline.
Comment: This sequence change replaces glycine, which is neutral and non-polar, with glutamic acid, which is acidic and polar, at codon 245 of the SMAD3 protein (p.Gly245Glu). This variant is not present in population databases (gnomAD no frequency). This missense change has been observed in individual(s) with aortic dissection (Invitae). ClinVar contains an entry for this variant (Variation ID: 955549). Advanced modeling of protein sequence and biophysical properties (such as structural, functional, and spatial information, amino acid conservation, physicochemical variation, residue mobility, and thermodynamic stability) performed at Invitae indicates that this missense variant is expected to disrupt SMAD3 protein function with a positive predictive value of 80%. This variant disrupts the p.Gly245 amino acid residue in SMAD3. Other variant(s) that disrupt this residue have been determined to be pathogenic (PMID: 24804794, 29444731; Invitae). This suggests that this residue is clinically significant, and that variants that disrupt this residue are likely to be disease-causing. In summary, the available evidence is currently insufficient to determine the role of this variant in disease. Therefore, it has been classified as a Variant of Uncertain Significance.

Literature cited by the submitters: PubMed 24804794; PubMed 29444731.